The following is an entry in ClinVar:

NM_006767.4(LZTR1):c.1225A>C (p.Asn409His)

Gene: LZTR1 (leucine zipper like post translational regulator 1; plus strand). Cytogenetic location: 22q11.21.
Variant type: single nucleotide variant.
Coding change: c.1225A>C on transcript NM_006767.4 (MANE Select); coding-DNA position 1225, A replaced by C.
Protein change: p.Asn409His; replaces asparagine 409 with histidine.
Molecular consequence: missense variant.
Genome position (GRCh38, 1-based): chr22:20,992,869, A>C. VCF-style: chr22-20992869-A-C. GRCh37 (hg19) VCF-style: chr22-21347158-A-C.
Other names: short protein forms N409H.
Identifiers: ClinVar variation 3640121 (VCV003640121.2).

ClinVar aggregate classification (germline): Uncertain significance (1 of 4 stars; one submission).

Submission:

Labcorp Genetics (formerly Invitae), Labcorp
Classification: Uncertain significance. Last evaluated: 2024-02-11. Review status: criteria provided, single submitter. Criteria: Invitae Variant Classification Sherloc (09022015). Collection method: clinical testing. Allele origin: germline.
Comment: This sequence change replaces asparagine, which is neutral and polar, with histidine, which is basic and polar, at codon 409 of the LZTR1 protein (p.Asn409His). This variant is not present in population databases (gnomAD no frequency). This variant has not been reported in the literature in individuals affected with LZTR1-related conditions. Advanced modeling of protein sequence and biophysical properties (such as structural, functional, and spatial information, amino acid conservation, physicochemical variation, residue mobility, and thermodynamic stability) performed at Invitae indicates that this missense variant is not expected to disrupt LZTR1 protein function with a negative predictive value of 80%. In summary, the available evidence is currently insufficient to determine the role of this variant in disease. Therefore, it has been classified as a Variant of Uncertain Significance.